The following is an entry in ClinVar:

NM_000059.4(BRCA2):c.5519G>A (p.Gly1840Glu)

Gene: BRCA2 (BRCA2 DNA repair associated; plus strand). Cytogenetic location: 13q13.1.
Variant type: single nucleotide variant.
Coding change: c.5519G>A on transcript NM_000059.4 (MANE Select); coding-DNA position 5519, G replaced by A.
Protein change: p.Gly1840Glu; replaces glycine 1840 with glutamic acid.
Molecular consequence: missense variant. On other transcripts: non-coding transcript variant (1), intron variant (2).
Genome position (GRCh38, 1-based): chr13:32,339,874, G>A. VCF-style: chr13-32339874-G-A. GRCh37 (hg19) VCF-style: chr13-32914011-G-A.
Other names: c.5519G>A, p.Gly1840Glu (NM_001406719.1, NM_001406720.1); c.1910-4684G>A (NM_001406721.1); c.425-4684G>A (NM_001406722.1); short protein forms G1840E.
Identifiers: ClinVar variation 2818356 (VCV002818356.4), dbSNP rs2137518220, ClinGen allele CA387785872.

ClinVar aggregate classification (germline): Uncertain significance. Review status: criteria provided, multiple submitters, no conflicts (2 of 4 stars). 2 submissions from 2 submitters: Uncertain significance (2). Last evaluated 2026-05-22.

Conditions:
Hereditary cancer-predisposing syndrome. Also called: Tumor predisposition; Hereditary neoplastic syndrome; Neoplastic Syndromes, Hereditary; Hereditary Cancer Syndrome. Identifiers: Orphanet 140162, MedGen C0027672, MeSH D009386, MONDO:0015356.
Hereditary breast ovarian cancer syndrome. Also called: BRCA1- and BRCA2-Associated Hereditary Breast and Ovarian Cancer; Hereditary breast and ovarian cancer syndrome; Breast and ovarian cancer; Hereditary breast and/or ovarian cancer syndrome; Hereditary breast and ovarian cancer syndrome (HBOC); Hereditary breast and ovarian cancer. Identifiers: Orphanet 145, MedGen C0677776, MeSH D061325, MONDO:0003582. Disease mechanism: loss of function.

Submissions (2):

Ambry Genetics
Classification: Uncertain significance for Hereditary cancer-predisposing syndrome. Last evaluated: 2026-05-22. Review status: criteria provided, single submitter. Criteria: Ambry Variant Classification Scheme 2023. Collection method: clinical testing. Allele origin: germline.
Comment: The p.G1840E variant (also known as c.5519G>A), located in coding exon 10 of the BRCA2 gene, results from a G to A substitution at nucleotide position 5519. The glycine at codon 1840 is replaced by glutamic acid, an amino acid with similar properties. This amino acid position is not well conserved in available vertebrate species. In addition, this alteration is predicted to be tolerated by in silico analysis. Based on the available evidence, the clinical significance of this variant remains unclear.

Labcorp Genetics (formerly Invitae), Labcorp
Classification: Uncertain significance for Hereditary breast ovarian cancer syndrome. Last evaluated: 2022-12-31. Review status: criteria provided, single submitter. Criteria: Invitae Variant Classification Sherloc (09022015). Collection method: clinical testing. Allele origin: germline.
Comment: This variant has not been reported in the literature in individuals affected with BRCA2-related conditions. This variant is not present in population databases (gnomAD no frequency). This sequence change replaces glycine, which is neutral and non-polar, with glutamic acid, which is acidic and polar, at codon 1840 of the BRCA2 protein (p.Gly1840Glu). Advanced modeling of protein sequence and biophysical properties (such as structural, functional, and spatial information, amino acid conservation, physicochemical variation, residue mobility, and thermodynamic stability) performed at Invitae indicates that this missense variant is not expected to disrupt BRCA2 protein function. In summary, the available evidence is currently insufficient to determine the role of this variant in disease. Therefore, it has been classified as a Variant of Uncertain Significance.